The following is an entry in ClinVar:

ClinVar aggregate classification (germline): Conflicting classifications of pathogenicity. Review status: criteria provided, conflicting classifications (1 of 4 stars). 4 submissions from 4 submitters: Uncertain significance (3); Likely benign (1). Last evaluated 2024-12-11.

Conditions:
Tuberous sclerosis 1 (TSC1). Identifiers: Orphanet 805, MedGen C1854465, MONDO:0008612, OMIM 191100.
Hereditary cancer-predisposing syndrome. Also called: Neoplastic Syndromes, Hereditary; Tumor predisposition; Hereditary Cancer Syndrome; Hereditary neoplastic syndrome. Identifiers: Orphanet 140162, MedGen C0027672, MeSH D009386, MONDO:0015356.
Isolated focal cortical dysplasia type II (FCORD2). Also called: CORTICAL DYSPLASIA OF TAYLOR; Focal cortical dysplasia type II. Identifiers: Orphanet 268994, MedGen C1846385, MONDO:0011818, OMIM 607341, HP:0032051.
Lymphangiomyomatosis (LAM). Also called: Lymphangioleiomyomatosis; Lymphangioleiomyomatosis, somatic. Identifiers: Orphanet 538, MedGen C0751674, MONDO:0011705, OMIM 606690.

Allele frequency attached by ClinVar (database versions not stated): gnomAD exomes below 0.00001 and 0.00001; gnomAD 0.00001; TOPMed 0.00001; ExAC 0.00002.
gnomAD v4.1: 7 of 1,614,066 alleles (0.00043%); highest among the groups gnomAD compares: East Asian, 0.0022%; no homozygotes.

Submissions (4):

Labcorp Genetics (formerly Invitae), Labcorp
Classification: Likely benign for Tuberous sclerosis 1. Last evaluated: 2024-12-11. Review status: criteria provided, single submitter. Criteria: Invitae Variant Classification Sherloc (09022015). Collection method: clinical testing. Allele origin: germline.

Blueprint Genetics
Classification: Uncertain significance. Last evaluated: 2024-09-05. Review status: criteria provided, single submitter. Criteria: ACMG Guidelines, 2015. Collection method: clinical testing. Allele origin: germline.

Ambry Genetics
Classification: Uncertain significance for Hereditary cancer-predisposing syndrome. Last evaluated: 2024-03-06. Review status: criteria provided, single submitter. Criteria: Ambry Variant Classification Scheme 2023. Collection method: clinical testing. Allele origin: germline.
Comment: The p.G8R variant (also known as c.22G>A), located in coding exon 1 of the TSC1 gene, results from a G to A substitution at nucleotide position 22. The glycine at codon 8 is replaced by arginine, an amino acid with dissimilar properties. This amino acid position is well conserved in available vertebrate species. In addition, the in silico prediction for this alteration is inconclusive. Since supporting evidence is limited at this time, the clinical significance of this alteration remains unclear.

Fulgent Genetics
Classification: Uncertain significance for Tuberous sclerosis 1; Lymphangiomyomatosis; Isolated focal cortical dysplasia type II. Last evaluated: 2022-03-04. Review status: criteria provided, single submitter. Criteria: ACMG Guidelines, 2015. Collection method: clinical testing. Allele origin: unknown.

NM_000368.5(TSC1):c.22G>A (p.Gly8Arg)

Gene: TSC1 (TSC complex subunit 1; minus strand). Cytogenetic location: 9q34.13.
Variant type: single nucleotide variant.
Coding change: c.22G>A on transcript NM_000368.5 (MANE Select); coding-DNA position 22, G replaced by A.
Protein change: p.Gly8Arg; replaces glycine 8 with arginine.
Molecular consequence: missense variant. On other transcripts: 5 prime UTR variant (1).
Genome position (GRCh38, 1-based): chr9:132,928,851, C>T on the plus strand (G>A on the coding strand, the complement: TSC1 is on the minus strand). VCF-style: chr9-132928851-C-T. GRCh37 (hg19) VCF-style: chr9-135804238-C-T.
Other names: c.22G>A, p.Gly8Arg (NM_001162426.2, NM_001162427.2); c.-238G>A (NM_001362177.2); short protein forms G8R.
Identifiers: ClinVar variation 821058 (VCV000821058.11), dbSNP rs773784532, ClinGen allele CA032066.
Genomic context (GRCh38, chr9:132,928,851, plus strand): 5'-CAGCTGTCACGTCGTCCCGCACACCCAGCATGGGGGAGTCCAGCATGGCAAGAAGCTCCC[C>T]GACATTTGCTTGTTGGGCCATTCTCTCGCTCGAAGGCGCTGTGCTGGCTCCAGGACGTGT-3'
Protein context (NP_000359.1, residues 1-18): MAQQANV[Gly8Arg]ELLAMLDSPM